The following is an entry in ClinVar:

ClinVar aggregate classification (germline): Uncertain significance (1 of 4 stars; one submission).

gnomAD v4.1: 26 of 1,498,416 alleles (0.0017%); highest among the groups gnomAD compares: Middle Eastern, 0.036%; no homozygotes.

Submission:

Women's Health and Genetics/Laboratory Corporation of America, LabCorp
Classification: Uncertain significance. Last evaluated: 2025-07-16. Review status: criteria provided, single submitter. Criteria: LabCorp Variant Classification Summary - May 2015. Collection method: clinical testing. Allele origin: germline.
Comment: Variant summary: TTN c.64927T>A (p.Ser21643Thr) results in a conservative amino acid change in the encoded protein sequence. Algorithms developed to predict the effect of missense changes on protein structure and function are either unavailable or do not agree on the potential impact of this missense change. The variant allele was found at a frequency of 5.4e-05 in 165996 control chromosomes. The available data on variant occurrences in the general population are insufficient to allow any conclusion about variant significance. To our knowledge, no occurrence of c.64927T>A in individuals affected with Autosomal Recessive Titinopathy and no experimental evidence demonstrating its impact on protein function have been reported. No submitters have cited clinical-significance assessments for this variant to ClinVar. Based on the evidence outlined above, the variant was classified as uncertain significance.

NM_001267550.2(TTN):c.72631T>A (p.Ser24211Thr)

Genes: TTN (titin; minus strand), TTN-AS1 (TTN antisense RNA 1; plus strand). Cytogenetic location: 2q31.2.
Variant type: single nucleotide variant.
Coding change: c.72631T>A on transcript NM_001267550.2 (MANE Select); coding-DNA position 72631, T replaced by A.
Protein change: p.Ser24211Thr; replaces serine 24211 with threonine.
Molecular consequence: missense variant.
Genome position (GRCh38, 1-based): chr2:178,573,501, A>T on the plus strand (T>A on the coding strand, the complement: TTN is on the minus strand). VCF-style: chr2-178573501-A-T. GRCh37 (hg19) VCF-style: chr2-179438228-A-T.
Other names: c.67708T>A, p.Ser22570Thr (NM_001256850.1); c.45436T>A, p.Ser15146Thr (NM_003319.4); c.64927T>A, p.Ser21643Thr (NM_133378.4); c.45811T>A, p.Ser15271Thr (NM_133432.3); c.46012T>A, p.Ser15338Thr (NM_133437.4); short protein forms S15146T, S21643T, S15271T, S22570T, S15338T, S24211T.
Identifiers: ClinVar variation 4525840 (VCV004525840.1).
Genomic context (GRCh38, chr2:178,573,501, plus strand): 5'-CTTCAGGGTTTTTGGGCGGATCAGGGGGTCCATAAGGATTCACTGCAAGCACAGGCTCTG[A>T]TTCCAGTGGCTCTCCCACTCCATATTTATTTACAGCCATGACACGGAATATGTATTCATT-3'
Protein context (NP_001254479.2, residues 24201-24221): NKYGVGEPLE[Ser24211Thr]EPVLAVNPYG